The following is an entry in ClinVar:

NM_007194.4(CHEK2):c.776G>C (p.Gly259Ala)

Gene: CHEK2 (checkpoint kinase 2; minus strand). Cytogenetic location: 22q12.1.
Variant type: single nucleotide variant.
Coding change: c.776G>C on transcript NM_007194.4 (MANE Select); coding-DNA position 776, G replaced by C.
Protein change: p.Gly259Ala; replaces glycine 259 with alanine.
Molecular consequence: missense variant.
Genome position (GRCh38, 1-based): chr22:28,711,925, C>G on the plus strand (G>C on the coding strand, the complement: CHEK2 is on the minus strand). VCF-style: chr22-28711925-C-G. GRCh37 (hg19) VCF-style: chr22-29107913-C-G.
Other names: c.905G>C, p.Gly302Ala (NM_001005735.3); c.113G>C, p.Gly38Ala (NM_001257387.3); c.575G>C, p.Gly192Ala (NM_001349956.3); c.776G>C, p.Gly259Ala (NM_145862.3); short protein forms G259A, G302A, G38A, G192A.
Identifiers: ClinVar variation 576633 (VCV000576633.9), dbSNP rs1569140096, ClinGen allele CA411103091.

ClinVar aggregate classification (germline): Uncertain significance (1 of 4 stars; one submission).

Conditions:
Familial cancer of breast. Also called: hereditary breast carcinoma; BREAST CANCER, FAMILIAL; Hereditary breast cancer. Identifiers: Orphanet 227535, MedGen C0346153, MONDO:0016419, OMIM 114480. Disease mechanism: loss of function.

Submission:

Labcorp Genetics (formerly Invitae), Labcorp
Classification: Uncertain significance for Familial cancer of breast. Last evaluated: 2025-01-08. Review status: criteria provided, single submitter. Criteria: Invitae Variant Classification Sherloc (09022015). Collection method: clinical testing. Allele origin: germline.
Comment: This sequence change replaces glycine, which is neutral and non-polar, with alanine, which is neutral and non-polar, at codon 259 of the CHEK2 protein (p.Gly259Ala). This variant is not present in population databases (gnomAD no frequency). This variant has not been reported in the literature in individuals affected with CHEK2-related conditions. ClinVar contains an entry for this variant (Variation ID: 576633). An algorithm developed to predict the effect of missense changes on protein structure and function (PolyPhen-2) suggests that this variant is likely to be tolerated. In summary, the available evidence is currently insufficient to determine the role of this variant in disease. Therefore, it has been classified as a Variant of Uncertain Significance.